The following is an entry in ClinVar:

NM_000384.3(APOB):c.9608C>G (p.Ser3203Cys)

Gene: APOB (apolipoprotein B; minus strand). Cytogenetic location: 2p24.1.
Variant type: single nucleotide variant.
Coding change: c.9608C>G on transcript NM_000384.3 (MANE Select); coding-DNA position 9608, C replaced by G.
Protein change: p.Ser3203Cys; replaces serine 3203 with cysteine.
Molecular consequence: missense variant.
Genome position (GRCh38, 1-based): chr2:21,007,260, G>C on the plus strand (C>G on the coding strand, the complement: APOB is on the minus strand). VCF-style: chr2-21007260-G-C. GRCh37 (hg19) VCF-style: chr2-21230132-G-C.
Other names: short protein forms S3203C.
Identifiers: ClinVar variation 3933030 (VCV003933030.3).

ClinVar aggregate classification (germline): Uncertain significance. Review status: criteria provided, multiple submitters, no conflicts (2 of 4 stars). 2 submissions from 2 submitters: Uncertain significance (2). Last evaluated 2025-08-06.

Conditions:
Familial hypercholesterolemia. Also called: Familial hypercholesterolaemia. Identifiers: MedGen C0020445, MONDO:0005439.
Cardiovascular phenotype. Identifiers: MedGen CN230736.

gnomAD v4.1: 9 of 1,613,242 alleles (0.00056%); highest among the groups gnomAD compares: South Asian, 0.0099%; no homozygotes.

Submissions (2):

Cambridge Genomics Laboratory, East Genomic Laboratory Hub, NHS Genomic Medicine Service
Classification: Uncertain significance for Familial hypercholesterolaemia. Last evaluated: 2025-08-06. Review status: criteria provided, single submitter. Criteria: ACGS Best Practice Guidelines for Variant Classification in Rare Disease 2020. Collection method: clinical testing. Allele origin: germline. Affected: yes.
Comment: PM2_Supporting,PP4

Ambry Genetics
Classification: Uncertain significance for Cardiovascular phenotype. Last evaluated: 2025-07-15. Review status: criteria provided, single submitter. Criteria: Ambry Variant Classification Scheme 2023. Collection method: clinical testing. Allele origin: germline.